The following is an entry in ClinVar:

ClinVar aggregate classification (germline): Likely benign. Review status: criteria provided, multiple submitters, no conflicts (2 of 4 stars). 2 submissions from 2 submitters: Likely benign (2). Last evaluated 2018-05-24.

Conditions:
Pulmonary hypertension, primary, 1 (PPH1). Also called: Pulmonary hypertension, familial primary, 1, with or without HHT. Identifiers: Orphanet 422, MedGen C4552070, MONDO:0024533, OMIM 178600.

Allele frequency attached by ClinVar (database versions not stated): TOPMed 0.00001; gnomAD exomes 0.00002 and 0.00003; gnomAD 0.00001; ExAC 0.00002.
gnomAD v4.1: 44 of 1,614,000 alleles (0.0027%); highest among the groups gnomAD compares: Non-Finnish European, 0.0036%; no homozygotes.

Submissions (2):

Labcorp Genetics (formerly Invitae), Labcorp
Classification: Likely benign. Last evaluated: 2018-05-24. Review status: criteria provided, single submitter. Criteria: Invitae Variant Classification Sherloc (09022015). Collection method: clinical testing. Allele origin: germline.

Illumina Laboratory Services, Illumina
Classification: Likely benign for Pulmonary hypertension, primary, 1. Last evaluated: 2018-01-12. Review status: criteria provided, single submitter. Criteria: ICSL Variant Classification Criteria 13 December 2019. Collection method: clinical testing. Allele origin: germline.
Comment: This variant was observed in the ICSL laboratory as part of a predisposition screen in an ostensibly healthy population. It had not been previously curated by ICSL or reported in the Human Gene Mutation Database (HGMD: prior to June 1st, 2018), and was therefore a candidate for classification through an automated scoring system. Utilizing variant allele frequency, disease prevalence and penetrance estimates, and inheritance mode, an automated score was calculated to assess if this variant is too frequent to cause the disease. Based on the score and internal cut-off values, a variant classified as likely benign is not then subjected to further curation. The score for this variant resulted in a classification of likely benign for this disease.

NM_001204.7(BMPR2):c.1545C>T (p.Ser515=)

Gene: BMPR2 (bone morphogenetic protein receptor type 2; plus strand). Cytogenetic location: 2q33.2.
Variant type: single nucleotide variant.
Coding change: c.1545C>T on transcript NM_001204.7 (MANE Select); coding-DNA position 1545, C replaced by T.
Protein change: p.Ser515=; no amino-acid change (serine 515 retained).
Molecular consequence: synonymous variant.
Genome position (GRCh38, 1-based): chr2:202,552,847, C>T. VCF-style: chr2-202552847-C-T. GRCh37 (hg19) VCF-style: chr2-203417570-C-T.
Identifiers: ClinVar variation 706547 (VCV000706547.7), dbSNP rs762746699, ClinGen allele CA2061389.